The following is an entry in ClinVar:

ClinVar aggregate classification (germline): Pathogenic (1 of 4 stars; one submission).

Conditions:
Ataxia-telangiectasia syndrome (AT). Also called: ATAXIA-TELANGIECTASIA, FRESNO VARIANT; Ataxia-telangiectasia, complementation group E; Ataxia telangiectasia (A-T); LOUIS-BAR SYNDROME; Ataxia-telangiectasia, complementation group D; AT, COMPLEMENTATION GROUP C. Identifiers: Orphanet 100, MedGen C0004135, MONDO:0008840, OMIM 208900.

Submission:

Labcorp Genetics (formerly Invitae), Labcorp
Classification: Pathogenic for Ataxia-telangiectasia syndrome. Last evaluated: 2019-11-01. Review status: criteria provided, single submitter. Criteria: Invitae Variant Classification Sherloc (09022015). Collection method: clinical testing. Allele origin: germline.
Comment: This sequence change creates a premature translational stop signal (p.Glu641Argfs*18) in the ATM gene. It is expected to result in an absent or disrupted protein product. Loss-of-function variants in ATM are known to be pathogenic (PMID: 23807571, 25614872). For these reasons, this variant has been classified as Pathogenic. This variant has not been reported in the literature in individuals with ATM-related conditions. This variant is not present in population databases (ExAC no frequency).

Literature cited by the submitters: PubMed 23807571; PubMed 25614872.

NM_000051.4(ATM):c.1920dup (p.Glu641fs)

Gene: ATM (ATM serine/threonine kinase; plus strand). Cytogenetic location: 11q22.3.
Variant type: Duplication.
Coding change: c.1920dup on transcript NM_000051.4 (MANE Select); coding-DNA position 1920, one base duplicated (A; older notation c.1920dupA).
Protein change: p.Glu641fs; shifts the reading frame from glutamic acid 641.
Molecular consequence: frameshift variant.
Genome position (GRCh38, 1-based): chr11:108,253,835, A duplicated; the last of 3 consecutive A bases (chr11:108,253,833-108,253,835); duplicating any one gives the same sequence. VCF-style (leftmost placement, unchanged base first): chr11-108253832-T-TA. GRCh37 (hg19) VCF-style: chr11-108124559-T-TA.
Other names: c.1920dup, p.Glu641fs (NM_001351834.2); short protein forms E641fs.
Identifiers: ClinVar variation 967745 (VCV000967745.7), dbSNP rs2080294213, ClinGen allele CA1139662163.